The following is an entry in ClinVar:

ClinVar aggregate classification (germline): Uncertain significance (1 of 4 stars; one submission).

Submission:

GeneDx
Classification: Uncertain significance. Last evaluated: 2023-04-30. Review status: criteria provided, single submitter. Criteria: GeneDx Variant Classification Process June 2021. Collection method: clinical testing. Allele origin: germline. Affected: yes.
Comment: Not observed at significant frequency in large population cohorts (gnomAD); In silico analysis supports that this missense variant has a deleterious effect on protein structure/function; Has not been previously published as pathogenic or benign to our knowledge

NM_198503.5(KCNT2):c.1589A>T (p.Asp530Val)

Gene: KCNT2 (potassium sodium-activated channel subfamily T member 2; minus strand). Cytogenetic location: 1q31.3.
Variant type: single nucleotide variant.
Coding change: c.1589A>T on transcript NM_198503.5 (MANE Select); coding-DNA position 1589, A replaced by T.
Protein change: p.Asp530Val; replaces aspartic acid 530 with valine.
Molecular consequence: missense variant. On other transcripts: non-coding transcript variant (2).
Genome position (GRCh38, 1-based): chr1:196,340,535, T>A on the plus strand (A>T on the coding strand, the complement: KCNT2 is on the minus strand). VCF-style: chr1-196340535-T-A. GRCh37 (hg19) VCF-style: chr1-196309665-T-A.
Other names: c.1589A>T, p.Asp530Val (NM_001287819.3); c.1439A>T, p.Asp480Val (NM_001287820.3); short protein forms D480V, D530V.
Identifiers: ClinVar variation 2663655 (VCV002663655.1), dbSNP rs2527044171, ClinGen allele CA343979364.